The following is an entry in ClinVar:

NM_205836.3(FBXO38):c.757C>T (p.Pro253Ser)

Gene: FBXO38 (F-box protein 38; plus strand). Cytogenetic location: 5q32.
Variant type: single nucleotide variant.
Coding change: c.757C>T on transcript NM_205836.3 (MANE Select); coding-DNA position 757, C replaced by T.
Protein change: p.Pro253Ser; replaces proline 253 with serine.
Molecular consequence: missense variant.
Genome position (GRCh38, 1-based): chr5:148,406,283, C>T. VCF-style: chr5-148406283-C-T. GRCh37 (hg19) VCF-style: chr5-147785846-C-T.
Other names: c.757C>T, p.Pro253Ser (NM_001271723.2, NM_030793.5); short protein forms P253S.
Identifiers: ClinVar variation 3343410 (VCV003343410.1).

ClinVar aggregate classification (germline): Uncertain significance (1 of 4 stars; one submission).

Submission:

GeneDx
Classification: Uncertain significance. Last evaluated: 2023-05-13. Review status: criteria provided, single submitter. Criteria: GeneDx Variant Classification Process June 2021. Collection method: clinical testing. Allele origin: germline. Affected: yes.
Comment: Not observed at significant frequency in large population cohorts (gnomAD); In silico analysis supports that this missense variant has a deleterious effect on protein structure/function; Has not been previously published as pathogenic or benign to our knowledge; Variants in candidate genes are classified as variants of uncertain significance in accordance with ACMG guidelines (Richards et al., 2015); In silico analysis suggests this variant may impact gene splicing. In the absence of RNA/functional studies, the actual effect of this sequence change is unknown.